The following is an entry in ClinVar:

ClinVar aggregate classification (germline): Benign. Review status: criteria provided, multiple submitters, no conflicts (2 of 4 stars). 2 submissions from 2 submitters: Benign (2). Last evaluated 2018-01-12.

Conditions:
Sjögren-Larsson syndrome (SLS). Also called: FALDH DEFICIENCY; FATTY ALCOHOL:NAD+ OXIDOREDUCTASE DEFICIENCY; FATTY ALDEHYDE DEHYDROGENASE DEFICIENCY; ICHTHYOSIS, SPASTIC NEUROLOGIC DISORDER, AND OLIGOPHRENIA. Identifiers: Orphanet 816, MedGen C0037231, MONDO:0010031, OMIM 270200.

Allele frequency attached by ClinVar (database versions not stated): 1000 Genomes Project 0.01977; 1000 Genomes Project 30x 0.02139; TOPMed 0.02985; gnomAD exomes 0.04651.
gnomAD v4.1: 4,966 of 152,354 alleles (3.3%); highest among the groups gnomAD compares: Middle Eastern, 6.1%; 124 homozygotes.

Submissions (2):

Illumina Laboratory Services, Illumina
Classification: Benign for Sjögren-Larsson syndrome. Last evaluated: 2018-01-12. Review status: criteria provided, single submitter. Criteria: ICSL Variant Classification Criteria 13 December 2019. Collection method: clinical testing. Allele origin: germline.
Comment: This variant was observed in the ICSL laboratory as part of a predisposition screen in an ostensibly healthy population. It had not been previously curated by ICSL or reported in the Human Gene Mutation Database (HGMD: prior to June 1st, 2018), and was therefore a candidate for classification through an automated scoring system. Utilizing variant allele frequency, disease prevalence and penetrance estimates, and inheritance mode, an automated score was calculated to assess if this variant is too frequent to cause the disease. Based on the score and internal cut-off values, a variant classified as benign is not then subjected to further curation. The score for this variant resulted in a classification of benign for this disease.

Breakthrough Genomics
Classification: Benign. Review status: criteria provided, single submitter. Criteria: ACMG Guidelines, 2015. Collection method: not provided. Allele origin: germline. Inheritance: Autosomal recessive inheritance. Affected: yes.

NM_000382.3(ALDH3A2):c.*1462G>A

Gene: ALDH3A2 (aldehyde dehydrogenase 3 family member A2; plus strand). Cytogenetic location: 17p11.2.
Variant type: single nucleotide variant.
Coding change: c.*1462G>A on transcript NM_000382.3 (MANE Select); 1462 bases downstream of the stop codon, G replaced by A.
Molecular consequence: 3 prime UTR variant.
Genome position (GRCh38, 1-based): chr17:19,677,034, G>A. VCF-style: chr17-19677034-G-A. GRCh37 (hg19) VCF-style: chr17-19580347-G-A.
Other names: c.*1518G>A (NM_001031806.2, NM_001369136.1, NM_001369137.2); c.*1462G>A (NM_001369138.2, NM_001369139.1, NM_001369148.2); c.*1409G>A (NM_001369146.2).
Identifiers: ClinVar variation 322235 (VCV000322235.6), dbSNP rs76846683, ClinGen allele CA10649673.